The following is an entry in ClinVar:

NM_015271.5(TRIM2):c.673G>A (p.Ala225Thr)

Gene: TRIM2 (tripartite motif containing 2; plus strand). Cytogenetic location: 4q31.3.
Variant type: single nucleotide variant.
Coding change: c.673G>A on transcript NM_015271.5 (MANE Select); coding-DNA position 673, G replaced by A.
Protein change: p.Ala225Thr; replaces alanine 225 with threonine.
Molecular consequence: missense variant. On other transcripts: intron variant (2).
Genome position (GRCh38, 1-based): chr4:153,294,372, G>A. VCF-style: chr4-153294372-G-A. GRCh37 (hg19) VCF-style: chr4-154215524-G-A.
Other names: c.451-941G>A (NM_001375520.1); c.592G>A, p.Ala198Thr (NM_001130067.2, NM_001351056.2, NM_001375512.1 and 5 more transcripts); c.646G>A, p.Ala216Thr (NM_001351054.2); c.643G>A, p.Ala215Thr (NM_001351055.2); c.217G>A, p.Ala73Thr (NM_001351057.2); c.766G>A, p.Ala256Thr (NM_001375488.1); c.763G>A, p.Ala255Thr (NM_001375489.1); c.673G>A, p.Ala225Thr (NM_001375490.1); and 4 more; short protein forms A224T, A256T, A198T, A215T, A225T, A255T, A73T, A112T.
Identifiers: ClinVar variation 2762568 (VCV002762568.4), dbSNP rs775717184, ClinGen allele CA3108606.

ClinVar aggregate classification (germline): Uncertain significance. Review status: criteria provided, multiple submitters, no conflicts (2 of 4 stars). 2 submissions from 2 submitters: Uncertain significance (2). Last evaluated 2024-07-26.

Conditions:
Charcot-Marie-Tooth disease type 2R. Also called: CHARCOT-MARIE-TOOTH NEUROPATHY, TYPE 2R; CHARCOT-MARIE-TOOTH DISEASE, AXONAL, AUTOSOMAL RECESSIVE, TYPE 2R; Charcot-Marie-Tooth disease, axonal, type 2R. Identifiers: Orphanet 397968, MedGen C3809655, MONDO:0014208, OMIM 615490.

gnomAD v4.1: 10 of 1,613,962 alleles (0.00062%); highest among the groups gnomAD compares: African/African-American, 0.012%; no homozygotes.

Submissions (2):

Ambry Genetics
Classification: Uncertain significance. Last evaluated: 2024-07-26. Review status: criteria provided, single submitter. Criteria: Ambry Variant Classification Scheme 2023. Collection method: clinical testing. Allele origin: germline.

Labcorp Genetics (formerly Invitae), Labcorp
Classification: Uncertain significance for Charcot-Marie-Tooth disease type 2R. Last evaluated: 2023-05-01. Review status: criteria provided, single submitter. Criteria: Invitae Variant Classification Sherloc (09022015). Collection method: clinical testing. Allele origin: germline.
Comment: This sequence change replaces alanine, which is neutral and non-polar, with threonine, which is neutral and polar, at codon 198 of the TRIM2 protein (p.Ala198Thr). This variant is present in population databases (rs775717184, gnomAD 0.02%). This variant has not been reported in the literature in individuals affected with TRIM2-related conditions. An algorithm developed to predict the effect of missense changes on protein structure and function (PolyPhen-2) suggests that this variant is likely to be tolerated. In summary, the available evidence is currently insufficient to determine the role of this variant in disease. Therefore, it has been classified as a Variant of Uncertain Significance.